The following is an entry in ClinVar:

NM_000091.5(COL4A3):c.1854C>A (p.Tyr618Ter)

Genes: COL4A3 (collagen type IV alpha 3 chain; plus strand), MFF-DT (MFF divergent transcript; minus strand). Cytogenetic location: 2q36.3.
Variant type: single nucleotide variant.
Coding change: c.1854C>A on transcript NM_000091.5 (MANE Select); coding-DNA position 1854, C replaced by A.
Protein change: p.Tyr618Ter; replaces tyrosine 618 with a stop codon.
Molecular consequence: nonsense.
Genome position (GRCh38, 1-based): chr2:227,273,044, C>A. VCF-style: chr2-227273044-C-A. GRCh37 (hg19) VCF-style: chr2-228137760-C-A.
Other names: short protein forms Y618*.
Identifiers: ClinVar variation 5006239 (VCV005006239.3).

ClinVar aggregate classification (germline): Pathogenic/Likely pathogenic. Review status: criteria provided, multiple submitters, no conflicts (2 of 4 stars). 2 submissions from 2 submitters: Pathogenic (1); Likely pathogenic (1). Last evaluated 2024-11-02.

Conditions:
Alport syndrome 3b, autosomal recessive. Identifiers: MedGen C5882699, MONDO:0957811, OMIM 620536.
Hematuria, benign familial, 2 (BFH2). Identifiers: MedGen C5830421, MONDO:0958186, OMIM 620320.
Autosomal dominant Alport syndrome (ATS3A). Also called: ALPORT SYNDROME 3A, AUTOSOMAL DOMINANT; Alport syndrome dominant type; Renal failure and sensorineural hearing loss. Identifiers: Orphanet 63, Orphanet 88918, MedGen C5882663, MONDO:0007086, OMIM 104200.
Alport syndrome. Also called: Hemorrhagic familial nephritis; Hemorrhagic hereditary nephritis; Congenital hereditary hematuria. Identifiers: Orphanet 63, MedGen C1567741, MONDO:0018965.

Submissions (2):

Myriad Genetics, Inc.
Classification: Pathogenic for Alport syndrome. Last evaluated: 2024-11-02. Review status: criteria provided, single submitter. Criteria: Myriad Autosomal Dominant, Autosomal Recessive and X-Linked Classification Criteria (2023). Collection method: clinical testing. Allele origin: unknown.
Comment: NM_000091.4(COL4A3):c.1854C>A(Y618*) is expected to be pathogenic in the context of Alport syndrome, COL4A3-related. This variant is predicted to lead to an abnormal or absent protein product due to the creation of a premature termination codon in COL4A3, a gene where loss-of-function variants are known to be pathogenic. Please note: this variant was assessed in the context of healthy population screening.

Juno Genomics, Hangzhou Juno Genomics, Inc
Classification: Likely pathogenic for Autosomal dominant Alport syndrome; Alport syndrome 3b, autosomal recessive; Hematuria, benign familial, 2. Review status: criteria provided, single submitter. Criteria: ACMG Guidelines, 2015. Collection method: clinical testing. Allele origin: germline.
Comment: Null variant in a gene where loss of function (LOF) is a known mechanism of disease.;Absent from controls (or at extremely low frequency if recessive) in Genome Aggregation Database.